The following is an entry in ClinVar:

NM_001084.5(PLOD3):c.2039A>G (p.Asn680Ser)

Gene: PLOD3 (procollagen-lysine,2-oxoglutarate 5-dioxygenase 3; minus strand). Cytogenetic location: 7q22.1.
Variant type: single nucleotide variant.
Coding change: c.2039A>G on transcript NM_001084.5 (MANE Select); coding-DNA position 2039, A replaced by G.
Protein change: p.Asn680Ser; replaces asparagine 680 with serine.
Molecular consequence: missense variant.
Genome position (GRCh38, 1-based): chr7:101,206,801, T>C on the plus strand (A>G on the coding strand, the complement: PLOD3 is on the minus strand). VCF-style: chr7-101206801-T-C. GRCh37 (hg19) VCF-style: chr7-100850082-T-C.
Other names: short protein forms N680S.
Identifiers: ClinVar variation 1444112 (VCV001444112.3), dbSNP rs773286578, ClinGen allele CA163344358.

ClinVar aggregate classification (germline): Uncertain significance (1 of 4 stars; one submission).

Allele frequency attached by ClinVar (database versions not stated): gnomAD 0.00002.
gnomAD v4.1: 7 of 1,583,368 alleles (0.00044%); highest among the groups gnomAD compares: Admixed American, 0.0018%; no homozygotes.

Submission:

Labcorp Genetics (formerly Invitae), Labcorp
Classification: Uncertain significance. Last evaluated: 2021-09-03. Review status: criteria provided, single submitter. Criteria: Invitae Variant Classification Sherloc (09022015). Collection method: clinical testing. Allele origin: germline.
Comment: This sequence change replaces asparagine with serine at codon 680 of the PLOD3 protein (p.Asn680Ser). The asparagine residue is highly conserved and there is a small physicochemical difference between asparagine and serine. This variant is not present in population databases (ExAC no frequency). This variant has not been reported in the literature in individuals affected with PLOD3-related conditions. Algorithms developed to predict the effect of missense changes on protein structure and function are either unavailable or do not agree on the potential impact of this missense change (SIFT: "Deleterious"; PolyPhen-2: "Possibly Damaging"; Align-GVGD: "Class C0"). Algorithms developed to predict the effect of sequence changes on RNA splicing suggest that this variant may create or strengthen a splice site. In summary, the available evidence is currently insufficient to determine the role of this variant in disease. Therefore, it has been classified as a Variant of Uncertain Significance.